The following is an entry in ClinVar:

NM_003900.5(SQSTM1):c.8C>T (p.Ser3Leu)

Gene: SQSTM1 (sequestosome 1; plus strand). Cytogenetic location: 5q35.3.
Variant type: single nucleotide variant.
Coding change: c.8C>T on transcript NM_003900.5 (MANE Select); coding-DNA position 8, C replaced by T.
Protein change: p.Ser3Leu; replaces serine 3 with leucine.
Molecular consequence: missense variant. On other transcripts: intron variant (2).
Genome position (GRCh38, 1-based): chr5:179,820,944, C>T. VCF-style: chr5-179820944-C-T. GRCh37 (hg19) VCF-style: chr5-179247944-C-T.
Other names: c.-47-2014C>T (NM_001142298.2, NM_001142299.2); short protein forms S3L.
Identifiers: ClinVar variation 2947184 (VCV002947184.3), dbSNP rs777501273, ClinGen allele CA3600355.

ClinVar aggregate classification (germline): Uncertain significance (1 of 4 stars; one submission).

Conditions:
Paget disease of bone 2, early-onset (PDB2). Also called: Paget disease of bone 2. Identifiers: MedGen C4085251, MONDO:0011183, OMIM 602080.
Frontotemporal dementia and/or amyotrophic lateral sclerosis 1 (FTDALS1). Also called: Frontotemporal dementia with motor neuron disease 1; C9orf72 Frontotemporal Dementia and/or Amyotrophic Lateral Sclerosis. Identifiers: Orphanet 275872, MedGen C5779877, MONDO:0007105, OMIM 105550.

Allele frequency attached by ClinVar (database versions not stated): gnomAD exomes 0.00001; ExAC 0.00003.
gnomAD v4.1: 9 of 1,553,410 alleles (0.00058%); highest among the groups gnomAD compares: East Asian, 0.0051%; no homozygotes.

Submission:

Labcorp Genetics (formerly Invitae), Labcorp
Classification: Uncertain significance for Paget disease of bone 2, early-onset; Frontotemporal dementia and/or amyotrophic lateral sclerosis 1. Last evaluated: 2024-12-19. Review status: criteria provided, single submitter. Criteria: Invitae Variant Classification Sherloc (09022015). Collection method: clinical testing. Allele origin: germline.
Comment: This sequence change replaces serine, which is neutral and polar, with leucine, which is neutral and non-polar, at codon 3 of the SQSTM1 protein (p.Ser3Leu). The frequency data for this variant in the population databases is considered unreliable, as metrics indicate poor data quality at this position in the gnomAD database. This variant has not been reported in the literature in individuals affected with SQSTM1-related conditions. ClinVar contains an entry for this variant (Variation ID: 2947184). An algorithm developed to predict the effect of missense changes on protein structure and function (PolyPhen-2) suggests that this variant is likely to be tolerated. In summary, the available evidence is currently insufficient to determine the role of this variant in disease. Therefore, it has been classified as a Variant of Uncertain Significance.